The following is an entry in ClinVar:

ClinVar aggregate classification (germline): Uncertain significance. Review status: criteria provided, multiple submitters, no conflicts (2 of 4 stars). 3 submissions from 3 submitters: Uncertain significance (3). Last evaluated 2025-07-14.

Conditions:
Dilated cardiomyopathy 1P (CMD1P). Identifiers: Orphanet 154, MedGen C1835928, MONDO:0012362, OMIM 609909.
Cardiovascular phenotype. Identifiers: MedGen CN230736.

Allele frequency attached by ClinVar (database versions not stated): gnomAD exomes below 0.00001; ExAC 0.00001; gnomAD 0.00003; TOPMed 0.00003; ESP Exome Variant Server 0.00008; 1000 Genomes Project 30x 0.00016; 1000 Genomes Project 0.00020.
gnomAD v4.1: 5 of 1,613,678 alleles (0.00031%); highest among the groups gnomAD compares: Admixed American, 0.0067%; no homozygotes.

Submissions (3):

Labcorp Genetics (formerly Invitae), Labcorp
Classification: Uncertain significance for Dilated cardiomyopathy 1P. Last evaluated: 2025-07-14. Review status: criteria provided, single submitter. Criteria: Invitae Variant Classification Sherloc (09022015). Collection method: clinical testing. Allele origin: germline.
Comment: This sequence change replaces arginine, which is basic and polar, with isoleucine, which is neutral and non-polar, at codon 14 of the PLN protein (p.Arg14Ile). This variant is present in population databases (rs151112761, gnomAD 0.003%). This variant has not been reported in the literature in individuals affected with PLN-related conditions. ClinVar contains an entry for this variant (Variation ID: 464270). An algorithm developed to predict the effect of missense changes on protein structure and function (PolyPhen-2) suggests that this variant is likely to be disruptive. In summary, the available evidence is currently insufficient to determine the role of this variant in disease. Therefore, it has been classified as a Variant of Uncertain Significance.

Ambry Genetics
Classification: Uncertain significance for Cardiovascular phenotype. Last evaluated: 2025-02-27. Review status: criteria provided, single submitter. Criteria: Ambry Variant Classification Scheme 2023. Collection method: clinical testing. Allele origin: germline.
Comment: The p.R14I variant (also known as c.41G>T), located in coding exon 1 of the PLN gene, results from a G to T substitution at nucleotide position 41. The arginine at codon 14 is replaced by isoleucine, an amino acid with similar properties. This amino acid position is highly conserved in available vertebrate species. In addition, this alteration is predicted to be deleterious by in silico analysis. Since supporting evidence is limited at this time, the clinical significance of this alteration remains unclear.

GeneDx
Classification: Uncertain significance. Last evaluated: 2024-12-06. Review status: criteria provided, single submitter. Criteria: GeneDx Variant Classification Process June 2021. Collection method: clinical testing. Allele origin: germline. Affected: yes.
Comment: Not observed at significant frequency in large population cohorts (gnomAD); In silico analysis supports that this missense variant has a deleterious effect on protein structure/function; Has not been previously published in association with a PLN-related disorder to our knowledge; This variant is associated with the following publications: (PMID: 35297759)

NM_002667.5(PLN):c.41G>T (p.Arg14Ile)

Genes: CEP85L (centrosomal protein 85L; minus strand), PLN (phospholamban; plus strand). Cytogenetic location: 6q22.31.
Variant type: single nucleotide variant.
Coding change: c.41G>T on transcript NM_002667.5 (MANE Select); coding-DNA position 41, G replaced by T.
Protein change: p.Arg14Ile; replaces arginine 14 with isoleucine.
Molecular consequence: missense variant. On other transcripts: intron variant (3).
Genome position (GRCh38, 1-based): chr6:118,558,962, G>T. VCF-style: chr6-118558962-G-T. GRCh37 (hg19) VCF-style: chr6-118880125-G-T.
Other names: c.1029+6567C>A (NM_001178035.2); c.1020+6567C>A (NM_001042475.3, NM_206921.3); short protein forms R14I.
Identifiers: ClinVar variation 464270 (VCV000464270.12), dbSNP rs151112761, ClinGen allele CA3977972.